The following is an entry in ClinVar:

ClinVar aggregate classification (germline): Likely pathogenic. Review status: reviewed by expert panel (3 of 4 stars). 3 submissions from 3 submitters: Likely pathogenic (1). 2 of the submissions do not count toward it. Last evaluated 2023-09-26.

Conditions:
Rare genetic deafness. Identifiers: Orphanet 96210, MedGen C5680250.
Usher syndrome. Also called: Usher Syndromes; Usher's syndrome. Identifiers: Orphanet 886, MedGen CN469326, MeSH D052245, MONDO:0019501. Disease mechanism: loss of function.

Submissions (3):

ClinGen Hearing Loss Variant Curation Expert Panel
Classification: Likely pathogenic for Usher syndrome. Last evaluated: 2023-09-26. Review status: reviewed by expert panel. Criteria: Clingen Hl Acmg Specifications Cdh23 Coch Gjb2 Kcnq4 Myo6 Myo7a Slc26a4 Tecta Ush2a V2. Collection method: curation. Allele origin: germline. Inheritance: Autosomal recessive inheritance.
Comment: The variant NM_206933.3:c.12295-?_14133+?del in USH2A is an in-frame multi-exon deletion that leads to a truncation of a functionally important region in a gene where loss-of-function is an established disease mechanism (PVS1_Strong). The variant is absent from gnomAD v2.1.1 (PM2_Supporting). It has been detected as homozygous in one proband with Usher syndrome, as compound heterozygous with p.Arg334Gly in one proband with hearing loss and light sensitivity, and as compound heterozygous with p.Tyr3747Ter in one proband with hearing loss (PM3; Partners LMM internal data SCV000204167.4). At least one patient with a variant in this gene displayed features of moderate to severe hearing loss and retinitis pigmentosa (PP4; Partners LMM internal data SCV000204167.4). In summary, this variant meets criteria to be classified as likely pathogenic for autosomal recessive Usher syndrome based on the ACMG/AMP criteria applied, as specified by the Hearing Loss Expert Panel: PVS1_Strong, PM2_Supporting, PM3, PP4 (ClinGen Hearing Loss VCEP specifications version 2; 9/26/2023).

Labcorp Genetics (formerly Invitae), Labcorp
Classification: Pathogenic. Last evaluated: 2019-12-19. Review status: criteria provided, single submitter. Criteria: Invitae Variant Classification Sherloc (09022015). Collection method: clinical testing. Allele origin: germline. Not counted in ClinVar's aggregate classification.
Comment: This variant is an in-frame deletion of the genomic region encompassing exons 63-64 of the USH2A gene. It preserves the integrity of the reading frame. Deletions of exons 63-64 have been observed in individuals affected with clinical features of retinitis pigmentosa and/or hearing loss (PMID: 28041643, 26969326, Invitae). This variant disrupts the p.Thr4439 amino acid residue in USH2A. Other variant(s) that disrupt this residue have been determined to be pathogenic (PMID: 25521520, 22135276, 27460420). This suggests that this residue is clinically significant, and that variants that disrupt this residue are likely to be disease-causing. For these reasons, this variant has been classified as Pathogenic.

Laboratory for Molecular Medicine, Mass General Brigham Personalized Medicine
Classification: Pathogenic for Rare genetic deafness. Last evaluated: 2017-03-11. Review status: criteria provided, single submitter. Criteria: LMM Criteria. Collection method: clinical testing. Allele origin: germline. Inheritance: Autosomal recessive inheritance. Observed: 3 variant alleles. Not counted in ClinVar's aggregate classification.
Comment: This variant has been report ed in 1/5083 African chromosomes by the Exome Aggregation Consortium (ExAC), which is consistent with a recessive carrier freque ncy. The deletion of exons 63-64 is predicted to result in an in-frame deletion that removes >10% of the protein. Therefore, this deletion would result in eithe r a truncated or absent protein, which is expected to disrupt protein function. In summary, this variant meets our criteria to be classified as pathogen ic for autosomal recessive Usher syndrome. ACMG/AMP criteria applied: PVS1; PM2; PM3; PP4.

Literature cited by the submitters: PubMed 26969326 (cited by 3 submitters); PubMed 27460420 (cited by Labcorp Genetics (formerly Invitae), Labcorp); PubMed 25521520 (cited by Labcorp Genetics (formerly Invitae), Labcorp); PubMed 22135276 (cited by Labcorp Genetics (formerly Invitae), Labcorp); PubMed 28041643 (cited by Labcorp Genetics (formerly Invitae), Labcorp).

NM_206933.3(USH2A):c.12295-?_14133+?del

Gene: USH2A (usherin; minus strand). Cytogenetic location: 1q41.
Variant type: Deletion.
Coding change: c.12295-?_14133+?del on transcript NM_206933.3.
Other names: NM_206933.2(USH2A):c.12295-?_14133+?del.
Identifiers: ClinVar variation 177859 (VCV000177859.8).